The following is an entry in ClinVar:

ClinVar aggregate classification (germline): Uncertain significance (1 of 4 stars; one submission).

Conditions:
Cardiovascular phenotype. Identifiers: MedGen CN230736.

Submission:

Ambry Genetics
Classification: Uncertain significance for Cardiovascular phenotype. Last evaluated: 2022-04-23. Review status: criteria provided, single submitter. Criteria: Ambry Variant Classification Scheme 2023. Collection method: clinical testing. Allele origin: germline.
Comment: The p.G688E variant (also known as c.2063G>A), located in coding exon 13 of the DSC2 gene, results from a G to A substitution at nucleotide position 2063. The glycine at codon 688 is replaced by glutamic acid, an amino acid with similar properties. This amino acid position is conserved. In addition, this alteration is predicted to be tolerated by in silico analysis. Since supporting evidence is limited at this time, the clinical significance of this alteration remains unclear.

NM_024422.6(DSC2):c.2063G>A (p.Gly688Glu)

Gene: DSC2 (desmocollin 2; minus strand). Cytogenetic location: 18q12.1.
Variant type: single nucleotide variant.
Coding change: c.2063G>A on transcript NM_024422.6 (MANE Select); coding-DNA position 2063, G replaced by A.
Protein change: p.Gly688Glu; replaces glycine 688 with glutamic acid.
Molecular consequence: missense variant.
Genome position (GRCh38, 1-based): chr18:31,071,667, C>T on the plus strand (G>A on the coding strand, the complement: DSC2 is on the minus strand). VCF-style: chr18-31071667-C-T. GRCh37 (hg19) VCF-style: chr18-28651633-C-T.
Other names: c.1634G>A, p.Gly545Glu (NM_001406506.1, NM_001406507.1); c.2063G>A, p.Gly688Glu (NM_004949.5); short protein forms G688E, G545E.
Identifiers: ClinVar variation 1785258 (VCV001785258.2), dbSNP rs1247895891, ClinGen allele CA402112923.